The following is an entry in ClinVar:

ClinVar aggregate classification (germline): Uncertain significance (1 of 4 stars; one submission).

gnomAD v4.1: 2 of 1,591,930 alleles (0.00013%); highest among the groups gnomAD compares: Non-Finnish European, 0.00017%; no homozygotes.

Submission:

GeneDx
Classification: Uncertain significance. Last evaluated: 2026-03-26. Review status: criteria provided, single submitter. Criteria: GeneDx Variant Classification Process June 2021. Collection method: clinical testing. Allele origin: germline.
Comment: Not observed at significant frequency in large population cohorts (gnomAD); In silico analysis supports that this missense variant has a deleterious effect on protein structure/function; Has not been previously published as pathogenic or benign to our knowledge

NM_015557.3(CHD5):c.4679C>T (p.Pro1560Leu)

Gene: CHD5 (chromodomain helicase DNA binding protein 5; minus strand). Cytogenetic location: 1p36.31.
Variant type: single nucleotide variant.
Coding change: c.4679C>T on transcript NM_015557.3 (MANE Select); coding-DNA position 4679, C replaced by T.
Protein change: p.Pro1560Leu; replaces proline 1560 with leucine.
Molecular consequence: missense variant.
Genome position (GRCh38, 1-based): chr1:6,123,968, G>A on the plus strand (C>T on the coding strand, the complement: CHD5 is on the minus strand). VCF-style: chr1-6123968-G-A. GRCh37 (hg19) VCF-style: chr1-6184028-G-A.
Other names: short protein forms P1560L.
Identifiers: ClinVar variation 5017564 (VCV005017564.1).